The following is an entry in ClinVar:

NM_153252.5(BRWD3):c.2012T>C (p.Leu671Ser)

Gene: BRWD3 (bromodomain and WD repeat domain containing 3; minus strand). Cytogenetic location: Xq21.1.
Variant type: single nucleotide variant.
Coding change: c.2012T>C on transcript NM_153252.5 (MANE Select); coding-DNA position 2012, T replaced by C.
Protein change: p.Leu671Ser; replaces leucine 671 with serine.
Molecular consequence: missense variant.
Genome position (GRCh38, 1-based): chrX:80,719,521, A>G on the plus strand (T>C on the coding strand, the complement: BRWD3 is on the minus strand). VCF-style: chrX-80719521-A-G. GRCh37 (hg19) VCF-style: chrX-79975020-A-G.
Other names: c.2012T>C (NM_153252.4); short protein forms L671S.
Identifiers: ClinVar variation 2421807 (VCV002421807.7), dbSNP rs200166730, ClinGen allele CA10462112.

ClinVar aggregate classification (germline): Likely benign. Review status: criteria provided, multiple submitters, no conflicts (2 of 4 stars). 2 submissions from 2 submitters: Likely benign (2). Last evaluated 2025-11-26.

Conditions:
BRWD3-related disorder. Also called: BRWD3-related condition.

Allele frequency attached by ClinVar (database versions not stated): TOPMed 0.00003; gnomAD 0.00004; gnomAD exomes 0.00004; ExAC 0.00005; ESP Exome Variant Server 0.00009.
gnomAD v4.1: 49 of 1,207,496 alleles (0.0041%); highest among the groups gnomAD compares: Non-Finnish European, 0.0053%; no homozygotes.

Submissions (2):

PreventionGenetics, part of Exact Sciences
Classification: Likely benign for BRWD3-related condition. Last evaluated: 2025-11-26. Review status: criteria provided, single submitter. Criteria: ACMG Guidelines, 2015. Collection method: clinical testing. Allele origin: germline.
Comment: This variant is classified as likely benign based on ACMG/AMP sequence variant interpretation guidelines (Richards et al. 2015 PMID: 25741868, with internal and published modifications).

Labcorp Genetics (formerly Invitae), Labcorp
Classification: Likely benign. Last evaluated: 2024-04-05. Review status: criteria provided, single submitter. Criteria: Invitae Variant Classification Sherloc (09022015). Collection method: clinical testing. Allele origin: germline.